The following is an entry in ClinVar:

NM_001370348.2(PHF3):c.5021G>A (p.Arg1674Gln)

Gene: PHF3 (PHD finger protein 3; plus strand). Cytogenetic location: 6q12.
Variant type: single nucleotide variant.
Coding change: c.5021G>A on transcript NM_001370348.2 (MANE Select); coding-DNA position 5021, G replaced by A.
Protein change: p.Arg1674Gln; replaces arginine 1674 with glutamine.
Molecular consequence: missense variant.
Genome position (GRCh38, 1-based): chr6:63,712,609, G>A. VCF-style: chr6-63712609-G-A. GRCh37 (hg19) VCF-style: chr6-64422505-G-A.
Other names: c.4757G>A, p.Arg1586Gln (NM_001290259.2, NM_001370349.2); c.2828G>A, p.Arg943Gln (NM_001370350.2); c.5021G>A, p.Arg1674Gln (NM_015153.4); short protein forms R1586Q, R1674Q, R943Q.
Identifiers: ClinVar variation 3055594 (VCV003055594.8), dbSNP rs116365286, ClinGen allele CA3876459.

ClinVar aggregate classification (germline): Likely benign. Review status: criteria provided, single submitter (1 of 4 stars). 2 submissions from 2 submitters: Likely benign (1). 1 of the submissions does not count toward it. Last evaluated 2025-10-01.

Conditions:
PHF3-related disorder. Also called: PHF3-related condition.

Allele frequency attached by ClinVar (database versions not stated): 1000 Genomes Project 30x 0.00172; 1000 Genomes Project 0.00180; TOPMed 0.00260; ESP Exome Variant Server 0.00277; gnomAD 0.00300; ExAC 0.00326.
gnomAD v4.1: 5,989 of 1,613,838 alleles (0.37%); highest among the groups gnomAD compares: Middle Eastern, 2.4%; 18 homozygotes.

Submissions (2):

CeGaT Center for Human Genetics Tuebingen
Classification: Likely benign. Last evaluated: 2025-10-01. Review status: criteria provided, single submitter. Criteria: CeGaT Center For Human Genetics Tuebingen Variant Classification Criteria Version 2. Collection method: clinical testing. Allele origin: germline. Affected: yes. Observed: 1 variant allele.
Comment: PHF3: BP4

PreventionGenetics, part of Exact Sciences
Classification: Benign for PHF3-related condition. Last evaluated: 2019-05-23. Review status: no assertion criteria provided. Collection method: clinical testing. Allele origin: germline. Not counted in ClinVar's aggregate classification.
Comment: This variant is classified as benign based on ACMG/AMP sequence variant interpretation guidelines (Richards et al. 2015 PMID: 25741868, with internal and published modifications).